The following is an entry in ClinVar:

ClinVar aggregate classification (germline): Benign/Likely benign. Review status: criteria provided, multiple submitters, no conflicts (2 of 4 stars). 5 submissions from 5 submitters: Benign (1); Likely benign (4). Last evaluated 2025-10-13.

Conditions:
Juvenile polyposis syndrome (JPS). Identifiers: Orphanet 2929, MedGen C0345893, MONDO:0017380, OMIM 174900.
Hereditary cancer-predisposing syndrome. Also called: Neoplastic Syndromes, Hereditary; Tumor predisposition; Hereditary Cancer Syndrome; Hereditary neoplastic syndrome. Identifiers: Orphanet 140162, MedGen C0027672, MeSH D009386, MONDO:0015356.

gnomAD v4.1: 1 of 1,613,396 alleles (0.000062%); highest among the groups gnomAD compares: East Asian, 0.0022%; no homozygotes.

Submissions (5):

Ambry Genetics
Classification: Likely benign for Hereditary cancer-predisposing syndrome. Last evaluated: 2025-10-13. Review status: criteria provided, single submitter. Criteria: Ambry Variant Classification Scheme 2023. Collection method: clinical testing. Allele origin: germline.

Labcorp Genetics (formerly Invitae), Labcorp
Classification: Likely benign for Juvenile polyposis syndrome. Last evaluated: 2025-06-24. Review status: criteria provided, single submitter. Criteria: Invitae Variant Classification Sherloc (09022015). Collection method: clinical testing. Allele origin: germline.

Myriad Genetics, Inc.
Classification: Benign for Juvenile polyposis syndrome. Last evaluated: 2024-08-06. Review status: criteria provided, single submitter. Criteria: Myriad Autosomal Dominant, Autosomal Recessive and X-Linked Classification Criteria (2023). Collection method: clinical testing. Allele origin: unknown.
Comment: This variant is considered benign. This variant is a silent/synonymous amino acid change and it is not expected to impact splicing.

All of Us Research Program, National Institutes of Health
Classification: Likely benign for Juvenile polyposis syndrome. Last evaluated: 2023-08-15. Review status: criteria provided, single submitter. Criteria: ACMG Guidelines, 2015. Collection method: clinical testing. Allele origin: germline. Inheritance: Autosomal dominant inheritance. Observed: 1 variant allele, 1 heterozygote.
Comment: This study involves interpretation of variants in research participants for the purpose of population health screening. Participant phenotype was not available at the time of variant classification. Additional details can be found in publication PMID: 35346344, PMCID: PMC8962531

Color Diagnostics, LLC DBA Color Health
Classification: Likely benign for Hereditary cancer-predisposing syndrome. Last evaluated: 2023-08-09. Review status: criteria provided, single submitter. Criteria: ACMG Guidelines, 2015. Collection method: clinical testing. Allele origin: germline.

NM_004329.3(BMPR1A):c.1146C>G (p.Gly382=)

Gene: BMPR1A (bone morphogenetic protein receptor type 1A; plus strand). Cytogenetic location: 10q23.2.
Variant type: single nucleotide variant.
Coding change: c.1146C>G on transcript NM_004329.3 (MANE Select); coding-DNA position 1146, C replaced by G.
Protein change: p.Gly382=; no amino-acid change (glycine 382 retained).
Molecular consequence: synonymous variant.
Genome position (GRCh38, 1-based): chr10:86,919,449, C>G. VCF-style: chr10-86919449-C-G. GRCh37 (hg19) VCF-style: chr10-88679206-C-G.
Other names: c.1146C>G (NM_004329.2).
Identifiers: ClinVar variation 1573356 (VCV001573356.12), dbSNP rs786203626, ClinGen allele CA470308185.